The following is an entry in ClinVar:

ClinVar aggregate classification (germline): Pathogenic. Review status: criteria provided, single submitter (1 of 4 stars). 2 submissions from 2 submitters: Pathogenic (1). 1 of the submissions does not count toward it. Last evaluated 2022-07-15.

Submissions (2):

Labcorp Genetics (formerly Invitae), Labcorp
Classification: Pathogenic. Last evaluated: 2022-07-15. Review status: criteria provided, single submitter. Criteria: Invitae Variant Classification Sherloc (09022015). Collection method: clinical testing. Allele origin: germline.
Comment: This sequence change replaces aspartic acid, which is acidic and polar, with histidine, which is basic and polar, at codon 104 of the BEST1 protein (p.Asp104His). This variant is not present in population databases (gnomAD no frequency). This missense change has been observed in individuals with autosomal dominant Best vitelliform macular dystrophy (PMID: 14517959, 31519547, 34373720). ClinVar contains an entry for this variant (Variation ID: 99712). Advanced modeling of protein sequence and biophysical properties (such as structural, functional, and spatial information, amino acid conservation, physicochemical variation, residue mobility, and thermodynamic stability) performed at Invitae indicates that this missense variant is expected to disrupt BEST1 protein function. For these reasons, this variant has been classified as Pathogenic.

Retina International
No classification provided. Review status: no classification provided. Collection method: not provided. Allele origin: not provided. Not counted in ClinVar's aggregate classification.

Literature cited by the submitters: PubMed 14517959 (cited by Labcorp Genetics (formerly Invitae), Labcorp); PubMed 31519547 (cited by Labcorp Genetics (formerly Invitae), Labcorp); PubMed 34373720 (cited by Labcorp Genetics (formerly Invitae), Labcorp).

NM_004183.4(BEST1):c.310G>C (p.Asp104His)

Gene: BEST1 (bestrophin 1; plus strand). Cytogenetic location: 11q12.3.
Variant type: single nucleotide variant.
Coding change: c.310G>C on transcript NM_004183.4 (MANE Select); coding-DNA position 310, G replaced by C.
Protein change: p.Asp104His; replaces aspartic acid 104 with histidine.
Molecular consequence: missense variant. On other transcripts: non-coding transcript variant (1).
Genome position (GRCh38, 1-based): chr11:61,955,780, G>C. VCF-style: chr11-61955780-G-C. GRCh37 (hg19) VCF-style: chr11-61723252-G-C.
Other names: c.130G>C, p.Asp44His (NM_001139443.3, NM_001300786.2, NM_001300787.2); c.-9G>C (NM_001363591.3); c.310G>C, p.Asp104His (NM_001363592.2); c.-866G>C (NM_001363593.3); short protein forms D104H, D44H.
Identifiers: ClinVar variation 99712 (VCV000099712.5), dbSNP rs281865231, ClinGen allele CA227765.